The following is an entry in ClinVar:

ClinVar aggregate classification (germline): Uncertain significance (1 of 4 stars; one submission).

Conditions:
Idiopathic generalized epilepsy. Also called: Generalised epilepsy; EIG. Identifiers: MedGen C0270850, MONDO:0005579, OMIM 600669.
Hyperaldosteronism, familial, type IV (HALD4). Also called: FH IV; ALDOSTERONISM, PRIMARY, AND HYPERTENSION. Identifiers: Orphanet 642671, MedGen C4310756, MONDO:0014875, OMIM 617027.

Allele frequency attached by ClinVar (database versions not stated): gnomAD exomes below 0.00001.
gnomAD v4.1: 4 of 1,579,170 alleles (0.00025%); highest among the groups gnomAD compares: Non-Finnish European, 0.00034%; no homozygotes.

Submission:

Labcorp Genetics (formerly Invitae), Labcorp
Classification: Uncertain significance for Idiopathic generalized epilepsy; Hyperaldosteronism, familial, type IV. Last evaluated: 2025-01-29. Review status: criteria provided, single submitter. Criteria: Invitae Variant Classification Sherloc (09022015). Collection method: clinical testing. Allele origin: germline.
Comment: This sequence change replaces serine, which is neutral and polar, with asparagine, which is neutral and polar, at codon 627 of the CACNA1H protein (p.Ser627Asn). The frequency data for this variant in the population databases is considered unreliable, as metrics indicate poor data quality at this position in the gnomAD database. This variant has not been reported in the literature in individuals affected with CACNA1H-related conditions. ClinVar contains an entry for this variant (Variation ID: 1525808). Invitae Evidence Modeling of protein sequence and biophysical properties (such as structural, functional, and spatial information, amino acid conservation, physicochemical variation, residue mobility, and thermodynamic stability) indicates that this missense variant is not expected to disrupt CACNA1H protein function with a negative predictive value of 80%. In summary, the available evidence is currently insufficient to determine the role of this variant in disease. Therefore, it has been classified as a Variant of Uncertain Significance.

NM_021098.3(CACNA1H):c.1880G>A (p.Ser627Asn)

Gene: CACNA1H (calcium voltage-gated channel subunit alpha1 H; plus strand). Cytogenetic location: 16p13.3.
Variant type: single nucleotide variant.
Coding change: c.1880G>A on transcript NM_021098.3 (MANE Select); coding-DNA position 1880, G replaced by A.
Protein change: p.Ser627Asn; replaces serine 627 with asparagine.
Molecular consequence: missense variant.
Genome position (GRCh38, 1-based): chr16:1,202,330, G>A. VCF-style: chr16-1202330-G-A. GRCh37 (hg19) VCF-style: chr16-1252330-G-A.
Other names: c.1880G>A, p.Ser627Asn (NM_001005407.2); short protein forms S627N.
Identifiers: ClinVar variation 1525808 (VCV001525808.6), dbSNP rs1453581368, ClinGen allele CA394162848.
Genomic context (GRCh38, chr16:1,202,330, plus strand): 5'-GGCTGGGCACCATGAACTACCCCACGATCCTGCCCTCAGGGGTGGGCAGCGGCAAAGGCA[G>A]CACCAGCCCCGGACCCAAGGGGAAGTGGGCCGGTGGACCGCCAGGCACCGGGGGGCACGG-3'
Protein context (NP_066921.2, residues 617-637): LPSGVGSGKG[Ser627Asn]TSPGPKGKWA